The following is an entry in ClinVar:

ClinVar aggregate classification (germline): Conflicting classifications of pathogenicity. Review status: criteria provided, conflicting classifications (1 of 4 stars). 4 submissions from 4 submitters: Uncertain significance (1); Likely benign (2). 1 of the submissions does not count toward it. Last evaluated 2025-12-22.

Conditions:
PUS1-related disorder. Also called: PUS1-related condition.
Myopathy, lactic acidosis, and sideroblastic anemia 1 (MLASA1). Identifiers: Orphanet 2598, MedGen C4551958, MONDO:0024553, OMIM 600462.

Allele frequency attached by ClinVar (database versions not stated): gnomAD 0.00005 and 0.00006; ExAC 0.00006; gnomAD exomes 0.00006; TOPMed 0.00006.

Submissions (4):

Labcorp Genetics (formerly Invitae), Labcorp
Classification: Likely benign. Last evaluated: 2025-12-22. Review status: criteria provided, single submitter. Criteria: Invitae Variant Classification Sherloc (09022015). Collection method: clinical testing. Allele origin: germline.

PreventionGenetics, part of Exact Sciences
Classification: Likely benign for PUS1-related condition. Last evaluated: 2025-07-29. Review status: criteria provided, single submitter. Criteria: ACMG Guidelines, 2015. Collection method: clinical testing. Allele origin: germline.
Comment: This variant is classified as likely benign based on ACMG/AMP sequence variant interpretation guidelines (Richards et al. 2015 PMID: 25741868, with internal and published modifications).

Illumina Laboratory Services, Illumina
Classification: Uncertain significance for Myopathy, lactic acidosis, and sideroblastic anemia 1. Last evaluated: 2017-04-27. Review status: criteria provided, single submitter. Criteria: ICSL Variant Classification Criteria 13 December 2019. Collection method: clinical testing. Allele origin: germline.

Natera, Inc.
Classification: Uncertain significance for Myopathy, lactic acidosis, and sideroblastic anemia 1. Last evaluated: 2020-01-17. Review status: no assertion criteria provided. Collection method: clinical testing. Allele origin: germline. Not counted in ClinVar's aggregate classification.

NM_025215.6(PUS1):c.972C>T (p.Asp324=)

Gene: PUS1 (pseudouridine synthase 1; plus strand). Cytogenetic location: 12q24.33.
Variant type: single nucleotide variant.
Coding change: c.972C>T on transcript NM_025215.6 (MANE Select); coding-DNA position 972, C replaced by T.
Protein change: p.Asp324=; no amino-acid change (aspartic acid 324 retained).
Molecular consequence: synonymous variant.
Genome position (GRCh38, 1-based): chr12:131,941,719, C>T. VCF-style: chr12-131941719-C-T. GRCh37 (hg19) VCF-style: chr12-132426264-C-T.
Other names: c.888C>T, p.Asp296= (NM_001002019.3, NM_001002020.3).
Identifiers: ClinVar variation 765898 (VCV000765898.16), dbSNP rs200065515, ClinGen allele CA6884284.